The following is an entry in ClinVar:

ClinVar aggregate classification (germline): Likely pathogenic. Review status: criteria provided, multiple submitters, no conflicts (2 of 4 stars). 4 submissions from 4 submitters: Likely pathogenic (4). Last evaluated 2025-10-30.

Conditions:
Pulmonary hypertension, neonatal, susceptibility to (PHN). Identifiers: MedGen C3714958, MONDO:0014151, OMIM 615371.
Congenital hyperammonemia, type I. Also called: Carbamoyl-phosphate synthase I deficiency; CPS I DEFICIENCY; Carbamoyl phosphate synthetase I deficiency disease; Carbamoyl phosphate synthetase 1 deficiency; Hyperammonemia due to carbamoyl phosphate synthetase 1 deficiency; CPS 1 deficiency. Identifiers: Orphanet 147, MedGen C4082171, MONDO:0009376, OMIM 237300.

Submissions (4):

Natera, Inc.
Classification: Likely pathogenic for Carbamoyl-phosphate synthase I deficiency. Last evaluated: 2025-10-30. Review status: criteria provided, single submitter. Criteria: Natera Variant Classification Schema (03/2026). Collection method: clinical testing. Allele origin: germline.
Comment: The c.4088_4099delTGATAGGCATCC variant in CPS1 is an in-frame deletion. This variant is rare in the general population with a frequency below the threshold expected for the associated phenotype(s). This variant has been observed in one or more individuals affected with the associated recessive disease, as either homozygous or compound heterozygous with a second variant (PMID: 22575620, 26440671). This variant results in a change to the protein length while preserving reading frame, which may disrupt normal protein structure or function. Given the available evidence, this variant is classified as Likely Pathogenic.

Baylor Genetics
Classification: Likely pathogenic for Pulmonary hypertension, neonatal, susceptibility to. Last evaluated: 2023-12-14. Review status: criteria provided, single submitter. Criteria: ACMG Guidelines, 2015. Collection method: clinical testing. Allele origin: unknown.

Labcorp Genetics (formerly Invitae), Labcorp
Classification: Likely pathogenic for Congenital hyperammonemia, type I. Last evaluated: 2023-09-21. Review status: criteria provided, single submitter. Criteria: Invitae Variant Classification Sherloc (09022015). Collection method: clinical testing. Allele origin: germline.
Comment: This variant, c.4088_4099del, results in the deletion of 4 amino acid(s) of the CPS1 protein (p.Leu1363_Ile1366del), but otherwise preserves the integrity of the reading frame. This variant is present in population databases (rs766705843, gnomAD 0.01%). This variant has been observed in individual(s) with CPS1-related conditions (PMID: 22575620, 26440671, 28444906). In at least one individual the data is consistent with being in trans (on the opposite chromosome) from a pathogenic variant. ClinVar contains an entry for this variant (Variation ID: 1512118). This variant disrupts a region of the CPS1 protein in which other variant(s) (p.Gly1365Asp) have been observed in individuals with CPS1-related conditions (Invitae). This suggests that this is a clinically significant region of the protein, and that variants that disrupt it are likely to be disease-causing. In summary, the currently available evidence indicates that the variant is pathogenic, but additional data are needed to prove that conclusively. Therefore, this variant has been classified as Likely Pathogenic.

Juno Genomics, Hangzhou Juno Genomics, Inc
Classification: Likely pathogenic for Congenital hyperammonemia, type I. Review status: criteria provided, single submitter. Criteria: ACMG Guidelines, 2015. Collection method: clinical testing. Allele origin: germline. Affected: yes.
Comment: Absent from controls (or at extremely low frequency if recessive) in Genome Aggregation Database, Exome Sequencing Project, 1000 Genomes Project, or Exome Aggregation Consortium.;Protein length changes due to in-frame deletions/insertions in a non-repeat region or stop-loss variants.;For recessive disorders, detected in trans with a pathogenic variant.

Literature cited by the submitters: PubMed 22575620 (cited by Natera, Inc. and Labcorp Genetics (formerly Invitae), Labcorp); PubMed 26440671 (cited by Natera, Inc. and Labcorp Genetics (formerly Invitae), Labcorp); PubMed 28444906 (cited by Labcorp Genetics (formerly Invitae), Labcorp).

NM_001875.5(CPS1):c.4088_4099del (p.Leu1363_Ile1366del)

Gene: CPS1 (carbamoyl-phosphate synthase 1; plus strand). Cytogenetic location: 2q34.
Variant type: Deletion.
Coding change: c.4088_4099del on transcript NM_001875.5 (MANE Select); coding-DNA positions 4088 to 4099, 12 bases deleted (TGATAGGCATCC).
Protein change: p.Leu1363_Ile1366del.
Molecular consequence: inframe deletion. On other transcripts: non-coding transcript variant (2).
Genome position (GRCh38, 1-based): chr2:210,668,271-210,668,282, TGATAGGCATCC deleted; deleting any 12 consecutive bases within chr2:210,668,263-210,668,282 gives the same sequence; the c. name uses the placement nearest the transcript's 3' end. VCF-style (leftmost placement, unchanged base first): chr2-210668262-AAGGCATCCTGAT-A. GRCh37 (hg19) VCF-style: chr2-211532986-AAGGCATCCTGAT-A.
Other names: c.4088_4099delTGATAGGCATCC (NM_001875.4); c.4088_4099del, p.Leu1363_Ile1366del (NM_001122633.3, NM_001369257.1); c.4121_4132del, p.Leu1374_Ile1377del (NM_001369256.1).
Identifiers: ClinVar variation 1512118 (VCV001512118.11), dbSNP rs766705843, ClinGen allele CA2087166.